The following is an entry in ClinVar:

ClinVar aggregate classification (germline): Likely benign (1 of 4 stars; one submission).

Submission:

CeGaT Center for Human Genetics Tuebingen
Classification: Likely benign. Last evaluated: 2026-06-01. Review status: criteria provided, single submitter. Criteria: CeGaT Center For Human Genetics Tuebingen Variant Classification Criteria Version 2. Collection method: clinical testing. Allele origin: germline. Affected: yes. Observed: 1 variant allele.
Comment: FBXL6: BP4, BP7

NM_012162.4(FBXL6):c.21G>C (p.Arg7=)

Gene: FBXL6 (F-box and leucine rich repeat protein 6; minus strand). Cytogenetic location: 8q24.3.
Variant type: single nucleotide variant.
Coding change: c.21G>C on transcript NM_012162.4 (MANE Select); coding-DNA position 21, G replaced by C.
Protein change: p.Arg7=; no amino-acid change (arginine 7 retained).
Molecular consequence: synonymous variant.
Genome position (GRCh38, 1-based): chr8:144,358,427, C>G on the plus strand (G>C on the coding strand, the complement: FBXL6 is on the minus strand). VCF-style: chr8-144358427-C-G. GRCh37 (hg19) VCF-style: chr8-145582087-C-G.
Other names: c.21G>C, p.Arg7= (NM_024555.6).
Identifiers: ClinVar variation 4872510 (VCV004872510.2).
Genomic context (GRCh38, chr8:144,358,427, plus strand): 5'-CCACCACCAGTCCTCGGCCGAGCGGGGCCGCGGCGCTGCCCGGGCTCTGCGTCGGACCTG[C>G]CGGGAGGCTGGGGCAGCCATGACCACCGACGGCGCTCGGGGAAGCCCCAGGGAGCGGAAC-3'
Protein context (NP_036294.2, residues 1-17): MAAPAS[Arg7=]QVRRRARAAP